The following is an entry in ClinVar:

NM_000059.4(BRCA2):c.6803G>A (p.Arg2268Lys)

Gene: BRCA2 (BRCA2 DNA repair associated; plus strand). Cytogenetic location: 13q13.1.
Variant type: single nucleotide variant.
Coding change: c.6803G>A on transcript NM_000059.4 (MANE Select); coding-DNA position 6803, G replaced by A.
Protein change: p.Arg2268Lys; replaces arginine 2268 with lysine.
Molecular consequence: missense variant.
Genome position (GRCh38, 1-based): chr13:32,341,158, G>A. VCF-style: chr13-32341158-G-A. GRCh37 (hg19) VCF-style: chr13-32915295-G-A.
Other names: p.R2268K:AGA>AAA; 7031G>A; short protein forms R2268K.
Identifiers: ClinVar variation 52191 (VCV000052191.68), dbSNP rs80358906, ClinGen allele CA024418.

ClinVar aggregate classification (germline): Conflicting classifications of pathogenicity. Review status: criteria provided, conflicting classifications (1 of 4 stars). 20 submissions from 20 submitters: Uncertain significance (4); Benign (3); Likely benign (9). 4 of the submissions do not count toward it. Last evaluated 2026-01-19.

Conditions:
BRCA2-related disorder. Also called: BRCA2-related condition; BRCA2-related disorders. Identifiers: MedGen CN239275.
Breast and/or ovarian cancer. Identifiers: MedGen CN221562.
Hereditary cancer-predisposing syndrome. Also called: Tumor predisposition; Neoplastic Syndromes, Hereditary; Hereditary neoplastic syndrome; Hereditary Cancer Syndrome. Identifiers: Orphanet 140162, MedGen C0027672, MeSH D009386, MONDO:0015356.
Hereditary breast ovarian cancer syndrome. Also called: Hereditary breast and ovarian cancer; BRCA1- and BRCA2-Associated Hereditary Breast and Ovarian Cancer; Hereditary breast and/or ovarian cancer syndrome; Hereditary breast and ovarian cancer syndrome; Breast and ovarian cancer; Hereditary breast and ovarian cancer syndrome (HBOC). Identifiers: Orphanet 145, MedGen C0677776, MeSH D061325, MONDO:0003582. Disease mechanism: loss of function.
Breast-ovarian cancer, familial, susceptibility to, 2 (BROVCA2). Also called: BRCA2 Hereditary Breast and Ovarian Cancer. Identifiers: Orphanet 145, MedGen C2675520, MONDO:0012933, OMIM 612555. Disease mechanism: loss of function.
Malignant tumor of breast. Also called: Malignant breast neoplasm; Cancer breast. Identifiers: MedGen C0006142, MONDO:0007254. Disease mechanism: loss of function.

Allele frequency attached by ClinVar (database versions not stated): gnomAD exomes 0.00003; ExAC 0.00006; gnomAD 0.00017 and 0.00020; TOPMed 0.00022; ESP Exome Variant Server 0.00054.
gnomAD v4.1: 50 of 1,613,748 alleles (0.0031%); highest among the groups gnomAD compares: African/African-American, 0.061%; no homozygotes.

Submissions (20):

Labcorp Genetics (formerly Invitae), Labcorp
Classification: Benign for Hereditary breast ovarian cancer syndrome. Last evaluated: 2026-01-19. Review status: criteria provided, single submitter. Criteria: Invitae Variant Classification Sherloc (09022015). Collection method: clinical testing. Allele origin: germline.

Women's Health and Genetics/Laboratory Corporation of America, LabCorp
Classification: Likely benign. Last evaluated: 2025-10-29. Review status: criteria provided, single submitter. Criteria: LabCorp Variant Classification Summary - May 2015. Collection method: clinical testing. Allele origin: germline.
Comment: Variant summary: BRCA2 c.6803G>A (p.Arg2268Lys) results in a conservative amino acid change in the encoded protein sequence. Algorithms developed to predict the effect of missense changes on protein structure and function are either unavailable or do not agree on the potential impact of this missense change. The variant allele was found at a frequency of 1.6e-05 in 1461600 control chromosomes, predominantly at a frequency of 0.00066 within the African or African-American subpopulation in the gnomAD database. c.6803G>A has been reported in sequencing studies of individuals affected with Breast and/or Ovarian Cancers (e.g. Dutil_2012, Fackenthal_2012, Haiman_2013, Balmaa_2016). These report(s) do not provide unequivocal conclusions about association of the variant with Hereditary Breast And Ovarian Cancer Syndrome. Co-occurrences with other pathogenic variants have been reported (BRCA1, c.815_824dupAGCCATGTGG, p.Thr276fsX14) (BIC database), including one publication that reported a co-occurrence with an unspecified deleterious mutation (Dutil_2012) providing supporting evidence for a benign role. To our knowledge, no experimental evidence demonstrating an impact on protein function has been reported. The following publications have been ascertained in the context of this evaluation (PMID: 27621404, 22682623, 22034289, 23555315). ClinVar contains an entry for this variant (Variation ID: 52191). Based on the evidence outlined above, the variant was classified as likely benign.

ARUP Laboratories, Molecular Genetics and Genomics, ARUP Laboratories
Classification: Benign. Last evaluated: 2024-09-04. Review status: criteria provided, single submitter. Criteria: ARUP Molecular Germline Variant Investigation Process 2024. Collection method: clinical testing. Allele origin: germline.

Blueprint Genetics
Classification: Likely benign. Last evaluated: 2024-04-22. Review status: criteria provided, single submitter. Criteria: ACMG Guidelines, 2015. Collection method: clinical testing. Allele origin: germline.

All of Us Research Program, National Institutes of Health
Classification: Likely benign for Breast-ovarian cancer, familial, susceptibility to, 2. Last evaluated: 2023-12-18. Review status: criteria provided, single submitter. Criteria: ACMG Guidelines, 2015. Collection method: clinical testing. Allele origin: germline. Inheritance: Autosomal dominant inheritance. Observed: 16 variant alleles, 16 heterozygotes.
Comment: This study involves interpretation of variants in research participants for the purpose of population health screening. Participant phenotype was not available at the time of variant classification. Additional details can be found in publication PMID: 35346344, PMCID: PMC8962531

University of Washington Department of Laboratory Medicine, University of Washington
Classification: Likely benign for Hereditary cancer-predisposing syndrome. Last evaluated: 2023-03-23. Review status: criteria provided, single submitter. Criteria: Dines et al. (Genet Med. 2020). Collection method: curation. Allele origin: germline.
Comment: Missense variant in a coldspot region where missense variants are very unlikely to be pathogenic (PMID:31911673).

BRCA2 exon 11 coldspot. Reclassification based on statistical prior probability.

Quest Diagnostics Nichols Institute San Juan Capistrano
Classification: Likely benign. Last evaluated: 2022-10-11. Review status: criteria provided, single submitter. Criteria: Quest Diagnostics criteria. Collection method: clinical testing. Allele origin: unknown.

CHEO Genetics Diagnostic Laboratory, Children's Hospital of Eastern Ontario
Classification: Uncertain significance for Breast and/or ovarian cancer. Last evaluated: 2022-08-19. Review status: criteria provided, single submitter. Criteria: ACMG Guidelines, 2015. Collection method: clinical testing. Allele origin: germline.

Genetics Program, Instituto Nacional de Cancer
Classification: Uncertain significance for Hereditary breast ovarian cancer syndrome. Last evaluated: 2021-11-01. Review status: criteria provided, single submitter. Criteria: ACMG Guidelines, 2015. Collection method: research. Allele origin: germline. Affected: yes.

Sema4
Classification: Likely benign for Hereditary cancer-predisposing syndrome. Last evaluated: 2021-06-17. Review status: criteria provided, single submitter. Criteria: Sema4 Curation Guidelines. Collection method: curation. Allele origin: germline.

GeneDx
Classification: Likely benign. Last evaluated: 2021-06-11. Review status: criteria provided, single submitter. Criteria: GeneDx Variant Classification Process June 2021. Collection method: clinical testing. Allele origin: germline. Affected: yes.
Comment: This variant is associated with the following publications: (PMID: 23292937, 22682623, 22034289, 23555315, 31131967)

Mendelics
Classification: Likely benign for Breast-ovarian cancer, familial, susceptibility to, 2. Last evaluated: 2019-05-28. Review status: criteria provided, single submitter. Criteria: Mendelics Assertion Criteria 2017. Collection method: clinical testing. Allele origin: unknown.

Ambry Genetics
Classification: Benign for Hereditary cancer-predisposing syndrome. Last evaluated: 2016-08-22. Review status: criteria provided, single submitter. Criteria: Ambry Variant Classification Scheme 2023. Collection method: clinical testing. Allele origin: germline.

Color Diagnostics, LLC DBA Color Health
Classification: Likely benign for Hereditary cancer-predisposing syndrome. Last evaluated: 2016-04-28. Review status: criteria provided, single submitter. Criteria: ACMG Guidelines, 2015. Collection method: clinical testing. Allele origin: germline.

Eurofins Ntd Llc (ga)
Classification: Uncertain significance. Last evaluated: 2015-03-12. Review status: criteria provided, single submitter. Criteria: EGL Classification Definitions 2015. Collection method: clinical testing. Allele origin: germline. Observed: 1 variant allele, 1 heterozygote.

Molecular Genetics Laboratory, University of Michigan
Classification: Uncertain significance for Breast-ovarian cancer, familial, susceptibility to, 2. Last evaluated: 2014-11-03. Review status: criteria provided, single submitter. Criteria: ACMG Guidelines, 2015. Collection method: clinical testing. Allele origin: germline. Affected: yes.

PreventionGenetics, part of Exact Sciences
Classification: Likely benign for BRCA2-related condition. Last evaluated: 2023-11-05. Review status: no assertion criteria provided. Collection method: clinical testing. Allele origin: germline. Not counted in ClinVar's aggregate classification.
Comment: This variant is classified as likely benign based on ACMG/AMP sequence variant interpretation guidelines (Richards et al. 2015 PMID: 25741868, with internal and published modifications).

Sharing Clinical Reports Project (SCRP)
Classification: Benign for Breast-ovarian cancer, familial 2. Last evaluated: 2010-12-28. Review status: no assertion criteria provided. Collection method: clinical testing. Allele origin: germline. Not counted in ClinVar's aggregate classification.

Breast Cancer Information Core (BIC) (BRCA2)
Classification: Uncertain significance for Breast-ovarian cancer, familial 2. Last evaluated: 2004-02-20. Review status: no assertion criteria provided. Collection method: clinical testing. Allele origin: germline. Affected: yes. Observed: 3 variant alleles. Not counted in ClinVar's aggregate classification.

Department of Pathology and Laboratory Medicine, Sinai Health System
Classification: Uncertain significance for Malignant tumor of breast. Review status: no assertion criteria provided. Collection method: clinical testing. Allele origin: unknown. Affected: yes. Study: The Canadian Open Genetics Repository (COGR). Not counted in ClinVar's aggregate classification.
Comment: The p.Arg2268Lys variant has been previously identified in 1 out of 802 proband chromosomes (frequency 0.001) of individuals with unselected breast cancers, but was not studied in control populations (Fackenthal 2012). It is listed in dbSNP database as coming from a "clinical source" (ID#: rs80358906) with an average heterozygosity of 0.002+/-0.028, increasing the likelihood this variant is benign. However, this variant is also listed in the BIC database three times with unknown clinical importance. The p.Ala2268 residue is conserved in mammals, however in silico computational analyses (SIFT and AignGVGD) do not suggest a high likelihood of impact to the protein. In summary, the clinical significance of this variant cannot be determined with certainty at this time, although we would lean towards a more benign role for this variant. This variant is classified as a variant of unknown significance.

Literature cited by the submitters: PubMed 22034289 (cited by 4 submitters); PubMed 23555315 (cited by Women's Health and Genetics/Laboratory Corporation of America, LabCorp and Quest Diagnostics Nichols Institute San Juan Capistrano); PubMed 22682623 (cited by 5 submitters); PubMed 27621404 (cited by Women's Health and Genetics/Laboratory Corporation of America, LabCorp and Quest Diagnostics Nichols Institute San Juan Capistrano); PubMed 36329109 (cited by Genetics Program, Instituto Nacional de Cancer); PubMed 33471991 (cited by Sema4).